The following is an entry in ClinVar:

NM_004859.4(CLTC):c.4190A>G (p.Lys1397Arg)

Genes: CLTC (clathrin heavy chain; plus strand), LOC126862609 (CDK7 strongly-dependent group 2 enhancer GRCh37_chr17:57760547-57761746; plus strand). Cytogenetic location: 17q23.1.
Variant type: single nucleotide variant.
Coding change: c.4190A>G on transcript NM_004859.4 (MANE Select); coding-DNA position 4190, A replaced by G.
Protein change: p.Lys1397Arg; replaces lysine 1397 with arginine.
Molecular consequence: missense variant.
Genome position (GRCh38, 1-based): chr17:59,683,535, A>G. VCF-style: chr17-59683535-A-G. GRCh37 (hg19) VCF-style: chr17-57760896-A-G.
Other names: c.4202A>G, p.Lys1401Arg (NM_001288653.2); short protein forms K1401R, K1397R.
Identifiers: ClinVar variation 1347037 (VCV001347037.8), dbSNP rs1478418025, ClinGen allele CA400420898.
Genomic context (GRCh38, chr17:59,683,535, plus strand): 5'-CCATGATGAATCATCCAACTGATGCCTGGAAAGAAGGGCAATTCAAAGATATCATTACCA[A>G]GGTGTGTACTTTCTTCAGAAGATAAAGGATTCAGAAGGAGAAAGCTCATTAGGAAGTAAC-3'
Protein context (NP_004850.1, residues 1387-1407): KEGQFKDIIT[Lys1397Arg]VANVELYYRA

ClinVar aggregate classification (germline): Uncertain significance (1 of 4 stars; one submission).

Allele frequency attached by ClinVar (database versions not stated): gnomAD exomes below 0.00001.
gnomAD v4.1: 1 of 1,613,686 alleles (0.000062%); highest among the groups gnomAD compares: Admixed American, 0.0017%; no homozygotes.

Submission:

Labcorp Genetics (formerly Invitae), Labcorp
Classification: Uncertain significance. Last evaluated: 2021-04-21. Review status: criteria provided, single submitter. Criteria: Invitae Variant Classification Sherloc (09022015). Collection method: clinical testing. Allele origin: germline.
Comment: This variant has not been reported in the literature in individuals with CLTC-related conditions. In summary, the available evidence is currently insufficient to determine the role of this variant in disease. Therefore, it has been classified as a Variant of Uncertain Significance. Algorithms developed to predict the effect of sequence changes on RNA splicing suggest that this variant may disrupt the consensus splice site, but this prediction has not been confirmed by published transcriptional studies. Algorithms developed to predict the effect of missense changes on protein structure and function are either unavailable or do not agree on the potential impact of this missense change (SIFT: "Deleterious"; PolyPhen-2: "Not Available"; Align-GVGD: "Class C0"). This variant is not present in population databases (ExAC no frequency). This sequence change replaces lysine with arginine at codon 1401 of the CLTC protein (p.Lys1401Arg). The lysine residue is highly conserved and there is a small physicochemical difference between lysine and arginine.